The following is an entry in ClinVar:

ClinVar aggregate classification (germline): Likely benign. Review status: criteria provided, single submitter (1 of 4 stars). 2 submissions from 2 submitters: Likely benign (1). 1 of the submissions does not count toward it. Last evaluated 2017-01-27.

Conditions:
Aniridia 1 (AN1). Identifiers: Orphanet 250923, MedGen C0344542, MONDO:0024507, OMIM 106210.

Submissions (2):

GeneDx
Classification: Likely benign. Last evaluated: 2017-01-27. Review status: criteria provided, single submitter. Criteria: GeneDx Variant Classification (06012015). Collection method: clinical testing. Allele origin: germline. Affected: yes.
Comment: This variant is considered likely benign or benign based on one or more of the following criteria: it is a conservative change, it occurs at a poorly conserved position in the protein, it is predicted to be benign by multiple in silico algorithms, and/or has population frequency not consistent with disease.

Laboratory of Genetic Epidemiology, Research Centre for Medical Genetics
Classification: Uncertain significance for Aniridia 1. Review status: no assertion criteria provided. Collection method: research. Allele origin: maternal. Inheritance: Autosomal dominant inheritance. Affected: yes. Observed: 1 heterozygote. Not counted in ClinVar's aggregate classification.

Literature cited by the submitters: PubMed 28321846 (cited by Laboratory of Genetic Epidemiology, Research Centre for Medical Genetics).

NM_000280.5(PAX6):c.-125dup

Gene: PAX6 (paired box 6; minus strand). Cytogenetic location: 11p13.
Variant type: Duplication.
Coding change: c.-125dup on transcript NM_000280.5; 125 bases upstream of the start codon, one base duplicated (G; older notation c.-125dupG).
Molecular consequence: intron variant (on NM_001368909.2).
Genome position (GRCh38, 1-based): chr11:31,806,922, C duplicated on the plus strand (G on the coding strand, the reverse complement: PAX6 is on the minus strand); the first of 5 consecutive C bases (chr11:31,806,922-31,806,926); duplicating any one gives the same sequence. VCF-style (leftmost placement, unchanged base first): chr11-31806921-T-TC. GRCh37 (hg19) VCF-style: chr11-31828469-T-TC.
Other names: c.-125dupG (NM_000280.3, NM_000280.4); c.-268+3906dup (NM_001368909.2); c.13+3906dup (NM_001368911.2).
Identifiers: ClinVar variation 430970 (VCV000430970.4), dbSNP rs1131692283, ClinGen allele CA645372127.